The following is an entry in ClinVar:

ClinVar aggregate classification (germline): Uncertain significance (1 of 4 stars; one submission).

Conditions:
Inborn genetic diseases. Identifiers: MedGen C0950123, MeSH D030342.

Allele frequency attached by ClinVar (database versions not stated): gnomAD exomes below 0.00001.
gnomAD v4.1: 2 of 1,580,118 alleles (0.00013%); highest among the groups gnomAD compares: Non-Finnish European, 0.00017%; no homozygotes.

Submission:

Ambry Genetics
Classification: Uncertain significance for Inborn genetic diseases. Last evaluated: 2024-02-16. Review status: criteria provided, single submitter. Criteria: Ambry Variant Classification Scheme 2023. Collection method: clinical testing. Allele origin: germline.
Comment: The p.R1959G variant (also known as c.5875A>G), located in coding exon 34 of the ATR gene, results from an A to G substitution at nucleotide position 5875. The arginine at codon 1959 is replaced by glycine, an amino acid with dissimilar properties. This amino acid position is conserved. In addition, the in silico prediction for this alteration is inconclusive. Based on the available evidence, the clinical significance of this alteration remains unclear.

NM_001184.4(ATR):c.5875A>G (p.Arg1959Gly)

Gene: ATR (ATR checkpoint kinase; minus strand). Cytogenetic location: 3q23.
Variant type: single nucleotide variant.
Coding change: c.5875A>G on transcript NM_001184.4 (MANE Select); coding-DNA position 5875, A replaced by G.
Protein change: p.Arg1959Gly; replaces arginine 1959 with glycine.
Molecular consequence: missense variant.
Genome position (GRCh38, 1-based): chr3:142,496,384, T>C on the plus strand (A>G on the coding strand, the complement: ATR is on the minus strand). VCF-style: chr3-142496384-T-C. GRCh37 (hg19) VCF-style: chr3-142215226-T-C.
Other names: c.5683A>G, p.Arg1895Gly (NM_001354579.2); short protein forms R1895G, R1959G.
Identifiers: ClinVar variation 3221230 (VCV003221230.1), dbSNP rs2473154582, ClinGen allele CA354813042.